The following is an entry in ClinVar:

ClinVar aggregate classification (germline): Uncertain significance (1 of 4 stars; one submission).

Submission:

Labcorp Genetics (formerly Invitae), Labcorp
Classification: Uncertain significance. Last evaluated: 2023-11-14. Review status: criteria provided, single submitter. Criteria: Invitae Variant Classification Sherloc (09022015). Collection method: clinical testing. Allele origin: germline.
Comment: This sequence change replaces serine, which is neutral and polar, with isoleucine, which is neutral and non-polar, at codon 294 of the ZNF335 protein (p.Ser294Ile). This variant is not present in population databases (gnomAD no frequency). This variant has not been reported in the literature in individuals affected with ZNF335-related conditions. ClinVar contains an entry for this variant (Variation ID: 1922674). Advanced modeling of protein sequence and biophysical properties (such as structural, functional, and spatial information, amino acid conservation, physicochemical variation, residue mobility, and thermodynamic stability) performed at Invitae indicates that this missense variant is not expected to disrupt ZNF335 protein function with a negative predictive value of 80%. In summary, the available evidence is currently insufficient to determine the role of this variant in disease. Therefore, it has been classified as a Variant of Uncertain Significance.

NM_022095.4(ZNF335):c.881G>T (p.Ser294Ile)

Gene: ZNF335 (zinc finger protein 335; minus strand). Cytogenetic location: 20q13.12.
Variant type: single nucleotide variant.
Coding change: c.881G>T on transcript NM_022095.4 (MANE Select); coding-DNA position 881, G replaced by T.
Protein change: p.Ser294Ile; replaces serine 294 with isoleucine.
Molecular consequence: missense variant.
Genome position (GRCh38, 1-based): chr20:45,967,568, C>A on the plus strand (G>T on the coding strand, the complement: ZNF335 is on the minus strand). VCF-style: chr20-45967568-C-A. GRCh37 (hg19) VCF-style: chr20-44596207-C-A.
Other names: short protein forms S294I.
Identifiers: ClinVar variation 1922674 (VCV001922674.3), dbSNP rs6032606, ClinGen allele CA409190857.